The following is an entry in ClinVar:

NM_004539.4(NARS1):c.1108G>A (p.Ala370Thr)

Gene: NARS1 (asparaginyl-tRNA synthetase 1; minus strand). Cytogenetic location: 18q21.31.
Variant type: single nucleotide variant.
Coding change: c.1108G>A on transcript NM_004539.4 (MANE Select); coding-DNA position 1108, G replaced by A.
Protein change: p.Ala370Thr; replaces alanine 370 with threonine.
Molecular consequence: missense variant.
Genome position (GRCh38, 1-based): chr18:57,606,645, C>T on the plus strand (G>A on the coding strand, the complement: NARS1 is on the minus strand). VCF-style: chr18-57606645-C-T. GRCh37 (hg19) VCF-style: chr18-55273877-C-T.
Other names: short protein forms A370T.
Identifiers: ClinVar variation 3336498 (VCV003336498.1).
Genomic context (GRCh38, chr18:57,606,645, plus strand): 5'-GACTTTTTCTTTCCATAAACACTGCACCTACCGGGTTGAGCTCATGCACTATGCTCCCTG[C>T]AGGTGACTTCAATATTCGATCTACCACATCACAAACCAAGTCCTCCAACCGGTTCAGGAG-3'
Protein context (NP_004530.1, residues 360-380): DVVDRILKSP[Ala370Thr]GSIVHELNPN

ClinVar aggregate classification (germline): Uncertain significance (1 of 4 stars; one submission).

gnomAD v4.1: 26 of 1,614,132 alleles (0.0016%); highest among the groups gnomAD compares: Non-Finnish European, 0.002%; no homozygotes.

Submission:

Women's Health and Genetics/Laboratory Corporation of America, LabCorp
Classification: Uncertain significance. Last evaluated: 2024-05-20. Review status: criteria provided, single submitter. Criteria: LabCorp Variant Classification Summary - May 2015. Collection method: clinical testing. Allele origin: germline.
Comment: Variant summary: NARS1 c.1108G>A (p.Ala370Thr) results in a non-conservative amino acid change located in the Aminoacyl-tRNA synthetase, class II (D/K/N) (IPR004364) of the encoded protein sequence. Four of five in-silico tools predict a benign effect of the variant on protein function. The variant was absent in 251438 control chromosomes. The available data on variant occurrences in the general population are insufficient to allow any conclusion about variant significance. To our knowledge, no occurrence of c.1108G>A in individuals affected with Neurodevelopmental Disorder With Microcephaly, Impaired Language, And Gait Abnormalities and no experimental evidence demonstrating its impact on protein function have been reported. No submitters have cited clinical-significance assessments for this variant to ClinVar. Based on the evidence outlined above, the variant was classified as uncertain significance.